The following is an entry in ClinVar:

ClinVar aggregate classification (germline): Likely pathogenic (1 of 4 stars; one submission).

Submission:

GeneDx
Classification: Likely pathogenic. Last evaluated: 2025-02-25. Review status: criteria provided, single submitter. Criteria: GeneDx Variant Classification Process June 2021. Collection method: clinical testing. Allele origin: germline. Affected: yes.
Comment: Frameshift variant predicted to result in abnormal protein length as the last 93 amino acid(s) are replaced with 53 different amino acid(s), and other similar variants have been reported in HGMD; Not observed at significant frequency in large population cohorts (gnomAD); Has not been previously published as pathogenic or benign to our knowledge.

NC_000023.11:g.71298467AG[3]

Gene: NONO (non-POU domain containing octamer binding; plus strand). Cytogenetic location: Xq13.1.
Variant type: Microsatellite.
Genome position: GRCh38 VCF-style: chrX-71298466-CAG-C. GRCh37 (hg19) VCF-style: chrX-70518316-CAG-C.
Identifiers: ClinVar variation 3764771 (VCV003764771.1).